The following is an entry in ClinVar:

ClinVar aggregate classification (germline): Uncertain significance (1 of 4 stars; one submission).

Submission:

GeneDx
Classification: Uncertain significance. Last evaluated: 2024-05-09. Review status: criteria provided, single submitter. Criteria: GeneDx Variant Classification Process June 2021. Collection method: clinical testing. Allele origin: germline. Affected: yes.
Comment: Not observed at significant frequency in large population cohorts (gnomAD); In silico analysis supports that this missense variant has a deleterious effect on protein structure/function; Has not been previously published as pathogenic or benign to our knowledge; This variant is associated with the following publications: (PMID: 25240749)

NM_001854.4(COL11A1):c.4564G>C (p.Gly1522Arg)

Gene: COL11A1 (collagen type XI alpha 1 chain; minus strand). Cytogenetic location: 1p21.1.
Variant type: single nucleotide variant.
Coding change: c.4564G>C on transcript NM_001854.4 (MANE Select); coding-DNA position 4564, G replaced by C.
Protein change: p.Gly1522Arg; replaces glycine 1522 with arginine.
Molecular consequence: missense variant. On other transcripts: non-coding transcript variant (1).
Genome position (GRCh38, 1-based): chr1:102,888,621, C>G on the plus strand (G>C on the coding strand, the complement: COL11A1 is on the minus strand). VCF-style: chr1-102888621-C-G. GRCh37 (hg19) VCF-style: chr1-103354177-C-G.
Other names: c.4447G>C, p.Gly1483Arg (NM_001190709.2); c.4600G>C, p.Gly1534Arg (NM_080629.3); c.4216G>C, p.Gly1406Arg (NM_080630.4); short protein forms G1406R, G1483R, G1522R, G1534R.
Identifiers: ClinVar variation 3375936 (VCV003375936.1).
Genomic context (GRCh38, chr1:102,888,621, plus strand): 5'-GTTAACATATACTTACTGGAGACCCAGGAGGCCCTGGAAGACCACTGTCACCTTTCTGGC[C>G]AGCGGGTCCCTGTTAGAAAGAAGAGAGAGGACATAAATAAAGAAGAGGCAATTAAATAGG-3'
Protein context (NP_001845.3, residues 1512-1532): KGNKGSTGPA[Gly1522Arg]QKGDSGLPGP